The following is an entry in ClinVar:

ClinVar aggregate classification (germline): Conflicting classifications of pathogenicity. Review status: criteria provided, conflicting classifications (1 of 4 stars). 3 submissions from 3 submitters: Likely pathogenic (1); Uncertain significance (2). Last evaluated 2023-07-27.

Conditions:
TPM1-related disorder. Also called: TPM1-related condition.
Hypertrophic cardiomyopathy. Also called: HYPERTROPHIC MYOCARDIOPATHY. Identifiers: Orphanet 217569, MedGen C0007194, MeSH D002312, MONDO:0005045, HP:0001639.

Allele frequency attached by ClinVar (database versions not stated): gnomAD exomes below 0.00001.
gnomAD v4.1: 2 of 1,614,158 alleles (0.00012%); highest among the groups gnomAD compares: East Asian, 0.0045%; no homozygotes.

Submissions (3):

Blueprint Genetics
Classification: Likely pathogenic for TPM1-related disorders. Last evaluated: 2023-07-27. Review status: criteria provided, single submitter. Criteria: ACMG Guidelines, 2015. Collection method: clinical testing. Allele origin: germline. Affected: yes. Observed: 5 variant alleles.

Labcorp Genetics (formerly Invitae), Labcorp
Classification: Uncertain significance for Hypertrophic cardiomyopathy. Last evaluated: 2022-10-30. Review status: criteria provided, single submitter. Criteria: Invitae Variant Classification Sherloc (09022015). Collection method: clinical testing. Allele origin: germline.
Comment: ClinVar contains an entry for this variant (Variation ID: 1016825). This sequence change replaces arginine, which is basic and polar, with glutamine, which is neutral and polar, at codon 238 of the TPM1 protein (p.Arg238Gln). This variant is not present in population databases (gnomAD no frequency). This missense change has been observed in individuals with TPM1-related conditions (PMID: 28855170, 32183154; Invitae). Algorithms developed to predict the effect of missense changes on protein structure and function are either unavailable or do not agree on the potential impact of this missense change (SIFT: "Deleterious"; PolyPhen-2: "Probably Damaging"; Align-GVGD: "Class C0"). In summary, the available evidence is currently insufficient to determine the role of this variant in disease. Therefore, it has been classified as a Variant of Uncertain Significance.

AiLife Diagnostics
Classification: Uncertain significance. Last evaluated: 2021-09-11. Review status: criteria provided, single submitter. Criteria: ACMG Guidelines, 2015. Collection method: clinical testing. Allele origin: germline. Affected: yes. Observed: 1 variant allele.

Literature cited by the submitters: PubMed 28855170 (cited by Labcorp Genetics (formerly Invitae), Labcorp and AiLife Diagnostics); PubMed 32183154 (cited by Labcorp Genetics (formerly Invitae), Labcorp and AiLife Diagnostics); PubMed 32600061 (cited by AiLife Diagnostics).

NM_001018005.2(TPM1):c.713G>A (p.Arg238Gln)

Gene: TPM1 (tropomyosin 1; plus strand). Cytogenetic location: 15q22.2.
Variant type: single nucleotide variant.
Coding change: c.713G>A on transcript NM_001018005.2 (MANE Select); coding-DNA position 713, G replaced by A.
Protein change: p.Arg238Gln; replaces arginine 238 with glutamine.
Molecular consequence: missense variant.
Genome position (GRCh38, 1-based): chr15:63,062,586, G>A. VCF-style: chr15-63062586-G-A. GRCh37 (hg19) VCF-style: chr15-63354785-G-A.
Other names: c.713G>A, p.Arg238Gln (NM_000366.6, NM_001018004.2, NM_001018006.2 and 6 more transcripts); c.605G>A, p.Arg202Gln (NM_001018008.2, NM_001301289.2, NM_001330344.2 and 5 more transcripts); c.839G>A, p.Arg280Gln (NM_001365778.1); short protein forms R202Q, R238Q, R280Q.
Identifiers: ClinVar variation 1016825 (VCV001016825.10), dbSNP rs777716347, ClinGen allele CA272034256.